The following is an entry in ClinVar:

NM_170707.4(LMNA):c.1628T>C (p.Leu543Pro)

Gene: LMNA (lamin A/C; plus strand). Cytogenetic location: 1q22.
Variant type: single nucleotide variant.
Coding change: c.1628T>C on transcript NM_170707.4 (MANE Select); coding-DNA position 1628, T replaced by C.
Protein change: p.Leu543Pro; replaces leucine 543 with proline.
Molecular consequence: missense variant. On other transcripts: intron variant (1).
Genome position (GRCh38, 1-based): chr1:156,137,673, T>C. VCF-style: chr1-156137673-T-C. GRCh37 (hg19) VCF-style: chr1-156107464-T-C.
Other names: c.1628T>C, p.Leu543Pro (NM_005572.4, NM_001282625.2, NM_001282626.2); c.1608+441T>C (NM_170708.4); c.1292T>C, p.Leu431Pro (NM_001257374.3); c.1385T>C, p.Leu462Pro (NM_001282624.2); short protein forms L543P, L431P, L462P.
Identifiers: ClinVar variation 282159 (VCV000282159.12), dbSNP rs886042329, ClinGen allele CA10604088.

ClinVar aggregate classification (germline): Uncertain significance. Review status: criteria provided, multiple submitters, no conflicts (2 of 4 stars). 2 submissions from 2 submitters: Uncertain significance (2). Last evaluated 2018-03-01.

Conditions:
Charcot-Marie-Tooth disease type 2. Also called: Charcot-Marie-Tooth type 2. Identifiers: Orphanet 64746, MedGen C0270914, MONDO:0018993.

Submissions (2):

Labcorp Genetics (formerly Invitae), Labcorp
Classification: Uncertain significance for Charcot-Marie-Tooth disease type 2. Last evaluated: 2018-03-01. Review status: criteria provided, single submitter. Criteria: Invitae Variant Classification Sherloc (09022015). Collection method: clinical testing. Allele origin: germline.
Comment: This variant has not been reported in the literature in individuals with LMNA-related disease. ClinVar contains an entry for this variant (Variation ID: 282159). Algorithms developed to predict the effect of missense changes on protein structure and function (SIFT, PolyPhen-2, Align-GVGD) all suggest that this variant is likely to be disruptive, but these predictions have not been confirmed by published functional studies and their clinical significance is uncertain. In summary, the available evidence is currently insufficient to determine the role of this variant in disease. Therefore, it has been classified as a Variant of Uncertain Significance. This variant is not present in population databases (ExAC no frequency). This sequence change replaces leucine with proline at codon 543 of the LMNA protein (p.Leu543Pro). The leucine residue is highly conserved and there is a moderate physicochemical difference between leucine and proline.

Eurofins Ntd Llc (ga)
Classification: Uncertain significance. Last evaluated: 2015-07-31. Review status: criteria provided, single submitter. Criteria: EGL Classification Definitions 2015. Collection method: clinical testing. Allele origin: germline. Observed: 1 variant allele, 1 heterozygote.